The following is an entry in ClinVar:

ClinVar aggregate classification (germline): Pathogenic. Review status: criteria provided, multiple submitters, no conflicts (2 of 4 stars). 2 submissions from 2 submitters: Pathogenic (2). Last evaluated 2021-10-10.

Conditions:
Achromatopsia 7 (ACHM7). Identifiers: Orphanet 49382, MedGen C4225297, MONDO:0014677, OMIM 616517.

Allele frequency attached by ClinVar (database versions not stated): TOPMed below 0.00001.

Submissions (2):

Labcorp Genetics (formerly Invitae), Labcorp
Classification: Pathogenic. Last evaluated: 2021-10-10. Review status: criteria provided, single submitter. Criteria: Invitae Variant Classification Sherloc (09022015). Collection method: clinical testing. Allele origin: germline.
Comment: For these reasons, this variant has been classified as Pathogenic. ClinVar contains an entry for this variant (Variation ID: 801569). This variant has not been reported in the literature in individuals affected with ATF6-related conditions. This variant is not present in population databases (ExAC no frequency). This sequence change creates a premature translational stop signal (p.Gln237*) in the ATF6 gene. It is expected to result in an absent or disrupted protein product. Loss-of-function variants in ATF6 are known to be pathogenic (PMID: 26029869, 26063662, 26070061).

Mendelics
Classification: Pathogenic for Achromatopsia 7. Last evaluated: 2019-05-28. Review status: criteria provided, single submitter. Criteria: Mendelics Assertion Criteria 2017. Collection method: clinical testing. Allele origin: unknown.

Literature cited by the submitters: PubMed 26029869 (cited by Labcorp Genetics (formerly Invitae), Labcorp); PubMed 26063662 (cited by Labcorp Genetics (formerly Invitae), Labcorp); PubMed 26070061 (cited by Labcorp Genetics (formerly Invitae), Labcorp).

NM_007348.4(ATF6):c.709C>T (p.Gln237Ter)

Gene: ATF6 (activating transcription factor 6; plus strand). Cytogenetic location: 1q23.3.
Variant type: single nucleotide variant.
Coding change: c.709C>T on transcript NM_007348.4 (MANE Select); coding-DNA position 709, C replaced by T.
Protein change: p.Gln237Ter; replaces glutamine 237 with a stop codon.
Molecular consequence: nonsense.
Genome position (GRCh38, 1-based): chr1:161,802,072, C>T. VCF-style: chr1-161802072-C-T. GRCh37 (hg19) VCF-style: chr1-161771862-C-T.
Other names: short protein forms Q237*.
Identifiers: ClinVar variation 801569 (VCV000801569.6), dbSNP rs1571143590, ClinGen allele CA343388545.